The following is an entry in ClinVar:

NM_000868.4(HTR2C):c.1002T>G (p.Ser334=)

Genes: HTR2C (5-hydroxytryptamine receptor 2C; plus strand), LOC126863306 (MED14-independent group 3 enhancer GRCh37_chrX:114140926-114142125; plus strand). Cytogenetic location: Xq23.
Variant type: single nucleotide variant.
Coding change: c.1002T>G on transcript NM_000868.4 (MANE Select); coding-DNA position 1002, T replaced by G.
Protein change: p.Ser334=; no amino-acid change (serine 334 retained).
Molecular consequence: synonymous variant. On other transcripts: 3 prime UTR variant (1).
Genome position (GRCh38, 1-based): chrX:114,907,040, T>G. VCF-style: chrX-114907040-T-G. GRCh37 (hg19) VCF-style: chrX-114141603-T-G.
Other names: c.1002T>G, p.Ser334= (NM_001256760.3); c.*160T>G (NM_001256761.3).
Identifiers: ClinVar variation 3036821 (VCV003036821.2), dbSNP rs143723100, ClinGen allele CA10495541.

ClinVar aggregate classification (germline): Likely benign (0 of 4 stars; one submission).

Conditions:
HTR2C-related disorder. Also called: HTR2C-related condition.

Allele frequency attached by ClinVar (database versions not stated): ExAC 0.00001; gnomAD exomes 0.00001; gnomAD 0.00002; TOPMed 0.00003; ESP Exome Variant Server 0.00009.
gnomAD v4.1: 10 of 1,208,713 alleles (0.00083%); highest among the groups gnomAD compares: Non-Finnish European, 0.0011%; no homozygotes.

Submission:

PreventionGenetics, part of Exact Sciences
Classification: Likely benign for HTR2C-related condition. Last evaluated: 2023-04-14. Review status: no assertion criteria provided. Collection method: clinical testing. Allele origin: germline.
Comment: This variant is classified as likely benign based on ACMG/AMP sequence variant interpretation guidelines (Richards et al. 2015 PMID: 25741868, with internal and published modifications).